The following is an entry in ClinVar:

ClinVar aggregate classification (germline): Uncertain significance (1 of 4 stars; one submission).

Conditions:
Heterotopia, periventricular, X-linked dominant (PVNH1). Also called: PERIVENTRICULAR NODULAR HETEROTOPIA 1; X-linked periventricular heterotopia; PERIVENTRICULAR NODULAR HETEROTOPIA 4; HETEROTOPIA, PERIVENTRICULAR, 1. Identifiers: Orphanet 2149, Orphanet 82004, MedGen C1848213, MONDO:0010233, OMIM 300049.
Oto-palato-digital syndrome, type II (OPD2). Also called: OPD II SYNDROME; FACIOPALATOOSSEOUS SYNDROME; Otopalatodigital Syndrome Type 2 (FLNA-OPD2); Otopalatodigital Syndrome, Type II. Identifiers: Orphanet 669, Orphanet 90652, MedGen C1844696, MONDO:0010571, OMIM 304120.
Frontometaphyseal dysplasia (FMD1). Identifiers: Orphanet 1826, MedGen C0265293, MONDO:0015942.
Melnick-Needles syndrome (MNS). Also called: MELNICK-NEEDLES OSTEODYSPLASTY; OSTEODYSPLASTY OF MELNICK AND NEEDLES; Melnick-Needles Syndrome (FLNA-MNS). Identifiers: Orphanet 2484, MedGen C0025237, MONDO:0010650, OMIM 309350.

Submission:

Labcorp Genetics (formerly Invitae), Labcorp
Classification: Uncertain significance for Oto-palato-digital syndrome, type II; Periventricular nodular heterotopia 1; Frontometaphyseal dysplasia; Melnick-Needles syndrome. Last evaluated: 2019-03-20. Review status: criteria provided, single submitter. Criteria: Invitae Variant Classification Sherloc (09022015). Collection method: clinical testing. Allele origin: germline.
Comment: This variant results in a copy number gain of the genomic region encompassing the full coding sequence of the FLNA gene. The boundaries of this event are unknown as they extend beyond the assayed region for this gene and therefore may encompass additional genes. As the precise location of this event is unknown, it may be in tandem or it may be located elsewhere in the genome. Isolated whole-gene copy number gains of FLNA have not been reported in the literature. However, larger copy number events that include this gene have been reported (PMID: 17546640, 24098143, 25817843). In summary, the available evidence is currently insufficient to determine the role of this variant in disease. Therefore, it has been classified as a Variant of Uncertain Significance.

Literature cited by the submitters: PubMed 17546640; PubMed 25817843; PubMed 24098143.

NC_000023.10:g.(?_153577207)_(153642537_?)dup

Genes: TAFAZZIN (tafazzin, phospholipid-lysophospholipid transacylase; plus strand), DNASE1L1 (deoxyribonuclease 1 like 1; minus strand), EMD (emerin; plus strand), FLNA (filamin A; minus strand), RPL10 (ribosomal protein L10; plus strand). Cytogenetic location: Xq28.
Variant type: Duplication.
Identifiers: ClinVar variation 831079 (VCV000831079.1).